The following continues an entry in ClinVar:

NM_000059.4(BRCA2):c.1399A>T (p.Lys467Ter)

Gene: BRCA2. ClinVar aggregate classification (germline): Pathogenic. Pathogenic (1).

Submissions 12 to 18 of 18:

Soonchunhyang University Bucheon Hospital, Soonchunhyang University Medical Center
Classification: Pathogenic for Breast-ovarian cancer, familial, susceptibility to, 2. Last evaluated: 2016-03-18. Review status: criteria provided, single submitter. Criteria: ACMG Guidelines, 2015. Collection method: reference population. Allele origin: germline. Observed: 1 variant allele. Not counted in ClinVar's aggregate classification.

Laboratory of Molecular Diagnosis of Cancer, West China Hospital, Sichuan University
Classification: Pathogenic for Breast neoplasm. Last evaluated: 2015-11-01. Review status: criteria provided, single submitter. Criteria: ACMG Guidelines, 2015. Collection method: research. Allele origin: germline. Affected: yes. Observed: 2 variant alleles. Not counted in ClinVar's aggregate classification.

Consortium of Investigators of Modifiers of BRCA1/2 (CIMBA), c/o University of Cambridge
Classification: Pathogenic for Breast-ovarian cancer, familial, susceptibility to, 2. Last evaluated: 2015-10-02. Review status: criteria provided, single submitter. Criteria: CIMBA Mutation Classification guidelines May 2016. Collection method: clinical testing. Allele origin: germline. Not counted in ClinVar's aggregate classification.

Juno Genomics, Hangzhou Juno Genomics, Inc
Classification: Pathogenic for Breast-ovarian cancer, familial, susceptibility to, 2. Review status: criteria provided, single submitter. Criteria: ACMG Guidelines, 2015. Collection method: clinical testing. Allele origin: germline. Not counted in ClinVar's aggregate classification.
Comment: Null variant in a gene where loss of function (LOF) is a known mechanism of disease.;Novel missense change at an amino acid residue where a different missense change determined to be pathogenic has been seen before.;The prevalence of the variant in affected individuals is significantly increased compared to the prevalence in controls.

Laboratory for Genotyping Development, RIKEN
Classification: Pathogenic for Gastric cancer. Last evaluated: 2021-07-01. Review status: no assertion criteria provided. Collection method: research. Allele origin: germline. Not counted in ClinVar's aggregate classification.

Sharing Clinical Reports Project (SCRP)
Classification: Pathogenic for Breast-ovarian cancer, familial 2. Last evaluated: 2010-07-06. Review status: no assertion criteria provided. Collection method: clinical testing. Allele origin: germline. Not counted in ClinVar's aggregate classification.

Breast Cancer Information Core (BIC) (BRCA2)
Classification: Pathogenic for Breast-ovarian cancer, familial 2. Last evaluated: 2003-12-23. Review status: no assertion criteria provided. Collection method: clinical testing. Allele origin: germline. Affected: yes. Observed: 2 variant alleles. Not counted in ClinVar's aggregate classification.

Literature cited by the submitters: PubMed 20104584 (cited by Labcorp Genetics (formerly Invitae), Labcorp); PubMed 12204006 (cited by 6 submitters); PubMed 16455195 (cited by 5 submitters); PubMed 22798144 (cited by 3 submitters); PubMed 26848529 (cited by Labcorp Genetics (formerly Invitae), Labcorp and Department of Pathology and Laboratory Medicine, Sinai Health System); PubMed 27257965 (cited by 4 submitters); PubMed 27836010 (cited by Labcorp Genetics (formerly Invitae), Labcorp); PubMed 23593081 (cited by Ambry Genetics); PubMed 29020732 (cited by Ambry Genetics and Quest Diagnostics Nichols Institute San Juan Capistrano); PubMed 29673794 (cited by Women's Health and Genetics/Laboratory Corporation of America, LabCorp); PubMed 32761968 (cited by Women's Health and Genetics/Laboratory Corporation of America, LabCorp); PubMed 33428613 (cited by Women's Health and Genetics/Laboratory Corporation of America, LabCorp); PubMed 30652428 (cited by Quest Diagnostics Nichols Institute San Juan Capistrano); PubMed 30287823 (cited by Quest Diagnostics Nichols Institute San Juan Capistrano); PubMed 26295337 (cited by Quest Diagnostics Nichols Institute San Juan Capistrano); PubMed 36988593 (cited by Laboratory for Genotyping Development, RIKEN).